The following is an entry in ClinVar:

ClinVar aggregate classification (germline): Benign/Likely benign. Review status: criteria provided, multiple submitters, no conflicts (2 of 4 stars). 2 submissions from 2 submitters: Benign (1); Likely benign (1). Last evaluated 2026-04-22.

Conditions:
Colorectal cancer, susceptibility to, 1. Also called: COLORECTAL ADENOMA AND CANCER, SUSCEPTIBILITY TO; COLORECTAL CANCER, SUSCEPTIBILITY TO, ON CHROMOSOME 9. Identifiers: MedGen C1837315, MONDO:0012132, OMIM 608812.

gnomAD v4.1: 11 of 1,236,706 alleles (0.00089%); highest among the groups gnomAD compares: Non-Finnish European, 0.001%; no homozygotes.

Submissions (2):

Myriad Genetics, Inc.
Classification: Benign for Colorectal cancer, susceptibility to, 1. Last evaluated: 2026-04-22. Review status: criteria provided, single submitter. Criteria: Myriad Autosomal Dominant, Autosomal Recessive and X-Linked Classification Criteria (2023). Collection method: clinical testing. Allele origin: unknown.
Comment: This variant is considered benign. This variant is a silent/synonymous amino acid change and it is not expected to impact splicing.

Ambry Genetics
Classification: Likely benign. Last evaluated: 2019-12-23. Review status: criteria provided, single submitter. Criteria: Ambry Variant Classification Scheme 2023. Collection method: clinical testing. Allele origin: germline.

NM_024642.5(GALNT12):c.222G>C (p.Ala74=)

Gene: GALNT12 (polypeptide N-acetylgalactosaminyltransferase 12; plus strand). Cytogenetic location: 9q22.33.
Variant type: single nucleotide variant.
Coding change: c.222G>C on transcript NM_024642.5 (MANE Select); coding-DNA position 222, G replaced by C.
Protein change: p.Ala74=; no amino-acid change (alanine 74 retained).
Molecular consequence: synonymous variant.
Genome position (GRCh38, 1-based): chr9:98,807,920, G>C. VCF-style: chr9-98807920-G-C. GRCh37 (hg19) VCF-style: chr9-101570202-G-C.
Identifiers: ClinVar variation 1788087 (VCV001788087.3), dbSNP rs1835413020, ClinGen allele CA466647458.